The following is an entry in ClinVar:

NM_004415.4(DSP):c.6670G>C (p.Asp2224His)

Gene: DSP (desmoplakin; plus strand). Cytogenetic location: 6p24.3.
Variant type: single nucleotide variant.
Coding change: c.6670G>C on transcript NM_004415.4 (MANE Select); coding-DNA position 6670, G replaced by C.
Protein change: p.Asp2224His; replaces aspartic acid 2224 with histidine.
Molecular consequence: missense variant.
Genome position (GRCh38, 1-based): chr6:7,583,932, G>C. VCF-style: chr6-7583932-G-C. GRCh37 (hg19) VCF-style: chr6-7584165-G-C.
Other names: c.4873G>C, p.Asp1625His (NM_001008844.3); c.5341G>C, p.Asp1781His (NM_001319034.2); short protein forms D1625H, D1781H, D2224H.
Identifiers: ClinVar variation 3893769 (VCV003893769.1).
Genomic context (GRCh38, chr6:7,583,932, plus strand): 5'-CAGAAGAGAAGCATGTCCTTCCAAGGAATCAGACAACCTGTGACCGTCACTGAGCTAGTA[G>C]ATTCTGGTATATTGAGACCGTCCACTGTCAATGAACTGGAATCTGGTCAGATTTCTTATG-3'
Protein context (NP_004406.2, residues 2214-2234): RQPVTVTELV[Asp2224His]SGILRPSTVN

ClinVar aggregate classification (germline): Uncertain significance (1 of 4 stars; one submission).

Conditions:
Cardiomyopathy (CMYO). Also called: Cardiomyopathies. Identifiers: Orphanet 167848, MedGen C0878544, MONDO:0004994, HP:0001638. Inheritance: Various modes of inheritance.

Submission:

Color Diagnostics, LLC DBA Color Health
Classification: Uncertain significance for Cardiomyopathy. Last evaluated: 2024-04-29. Review status: criteria provided, single submitter. Criteria: ACMG Guidelines, 2015. Collection method: clinical testing. Allele origin: germline.
Comment: This missense variant replaces aspartic acid with histidine at codon 2224 of the DSP protein. Computational prediction suggests that this variant may not impact protein structure and function (internally defined REVEL score threshold <= 0.5, PMID: 27666373). To our knowledge, functional studies have not been reported for this variant. This variant has not been reported in individuals affected with DSP-related disorders in the literature. This variant has not been identified in the general population by the Genome Aggregation Database (gnomAD). The available evidence is insufficient to determine the role of this variant in disease conclusively. Therefore, this variant is classified as a Variant of Uncertain Significance.